The following is an entry in ClinVar:

ClinVar aggregate classification (germline): Uncertain significance. Review status: criteria provided, multiple submitters, no conflicts (2 of 4 stars). 2 submissions from 2 submitters: Uncertain significance (2). Last evaluated 2025-02-03.

Conditions:
Cranioectodermal dysplasia 1 (CED1). Also called: LEVIN SYNDROME I. Identifiers: Orphanet 1515, MedGen C0432235, MONDO:0021093, OMIM 218330.

Allele frequency attached by ClinVar (database versions not stated): gnomAD exomes below 0.00001 and 0.00001.
gnomAD v4.1: 8 of 1,614,058 alleles (0.0005%); highest among the groups gnomAD compares: Admixed American, 0.0017%; no homozygotes.

Submissions (2):

Labcorp Genetics (formerly Invitae), Labcorp
Classification: Uncertain significance for Cranioectodermal dysplasia 1. Last evaluated: 2025-02-03. Review status: criteria provided, single submitter. Criteria: Invitae Variant Classification Sherloc (09022015). Collection method: clinical testing. Allele origin: germline.
Comment: This sequence change replaces leucine, which is neutral and non-polar, with proline, which is neutral and non-polar, at codon 1186 of the IFT122 protein (p.Leu1186Pro). This variant is present in population databases (no rsID available, gnomAD 0.003%). This variant has not been reported in the literature in individuals affected with IFT122-related conditions. ClinVar contains an entry for this variant (Variation ID: 901488). Invitae Evidence Modeling of protein sequence and biophysical properties (such as structural, functional, and spatial information, amino acid conservation, physicochemical variation, residue mobility, and thermodynamic stability) has been performed for this missense variant. However, the output from this modeling did not meet the statistical confidence thresholds required to predict the impact of this variant on IFT122 protein function. In summary, the available evidence is currently insufficient to determine the role of this variant in disease. Therefore, it has been classified as a Variant of Uncertain Significance.

Illumina Laboratory Services, Illumina
Classification: Uncertain significance for Cranioectodermal dysplasia 1. Last evaluated: 2018-01-12. Review status: criteria provided, single submitter. Criteria: ICSL Variant Classification Criteria 13 December 2019. Collection method: clinical testing. Allele origin: germline.

NM_052989.3(IFT122):c.3404T>C (p.Leu1135Pro)

Gene: IFT122 (intraflagellar transport 122; plus strand). Cytogenetic location: 3q22.1.
Variant type: single nucleotide variant.
Coding change: c.3404T>C on transcript NM_052989.3 (MANE Select); coding-DNA position 3404, T replaced by C.
Protein change: p.Leu1135Pro; replaces leucine 1135 with proline.
Molecular consequence: missense variant.
Genome position (GRCh38, 1-based): chr3:129,519,119, T>C. VCF-style: chr3-129519119-T-C. GRCh37 (hg19) VCF-style: chr3-129237962-T-C.
Other names: c.3383T>C, p.Leu1128Pro (NM_001280541.2); c.2954T>C, p.Leu985Pro (NM_001280545.2); c.2777T>C, p.Leu926Pro (NM_001280546.2); c.3227T>C, p.Leu1076Pro (NM_018262.4); c.3557T>C, p.Leu1186Pro (NM_052985.4); c.3074T>C, p.Leu1025Pro (NM_052990.3); short protein forms L1076P, L1186P, L1025P, L926P, L985P, L1128P, L1135P.
Identifiers: ClinVar variation 901488 (VCV000901488.8), dbSNP rs1251905610, ClinGen allele CA354491597.